The following is an entry in ClinVar:

NM_001004334.4(GPR179):c.6998C>G (p.Ala2333Gly)

Gene: GPR179 (G protein-coupled receptor 179; minus strand). Cytogenetic location: 17q12.
Variant type: single nucleotide variant.
Coding change: c.6998C>G on transcript NM_001004334.4 (MANE Select); coding-DNA position 6998, C replaced by G.
Protein change: p.Ala2333Gly; replaces alanine 2333 with glycine.
Molecular consequence: missense variant.
Genome position (GRCh38, 1-based): chr17:38,326,571, G>C on the plus strand (C>G on the coding strand, the complement: GPR179 is on the minus strand). VCF-style: chr17-38326571-G-C. GRCh37 (hg19) VCF-style: chr17-36482454-G-C.
Other names: short protein forms A2333G.
Identifiers: ClinVar variation 1419888 (VCV001419888.3), dbSNP rs768798444, ClinGen allele CA290102699.
Genomic context (GRCh38, chr17:38,326,571, plus strand): 5'-TACTGAGCTTCAAAAGCCACTTGGCCTGAGTCTTCAGTTAAGGACGAAGACTGAGACTCA[G>C]CTTCCTGGAGACTTGGCTCTGGGGCTAAGCTGGTCCTTGGCTCAAGCCCTGAAGGTCCTT-3'
Protein context (NP_001004334.3, residues 2323-2343): SLAPEPSLQE[Ala2333Gly]ESQSSSLTED

ClinVar aggregate classification (germline): Uncertain significance (1 of 4 stars; one submission).

Allele frequency attached by ClinVar (database versions not stated): gnomAD 0.00003; ExAC 0.00014; TOPMed 0.00005; gnomAD exomes 0.00010.
gnomAD v4.1: 87 of 1,614,220 alleles (0.0054%); highest among the groups gnomAD compares: Middle Eastern, 0.033%; no homozygotes.

Submission:

Labcorp Genetics (formerly Invitae), Labcorp
Classification: Uncertain significance. Last evaluated: 2022-08-22. Review status: criteria provided, single submitter. Criteria: Invitae Variant Classification Sherloc (09022015). Collection method: clinical testing. Allele origin: germline.
Comment: This sequence change replaces alanine, which is neutral and non-polar, with glycine, which is neutral and non-polar, at codon 2333 of the GPR179 protein (p.Ala2333Gly). This variant is present in population databases (rs768798444, gnomAD 0.01%). This variant has not been reported in the literature in individuals affected with GPR179-related conditions. ClinVar contains an entry for this variant (Variation ID: 1419888). Algorithms developed to predict the effect of missense changes on protein structure and function output the following: SIFT: "Tolerated"; PolyPhen-2: "Benign"; Align-GVGD: "Class C0". The glycine amino acid residue is found in multiple mammalian species, which suggests that this missense change does not adversely affect protein function. Algorithms developed to predict the effect of sequence changes on RNA splicing suggest that this variant may create or strengthen a splice site. In summary, the available evidence is currently insufficient to determine the role of this variant in disease. Therefore, it has been classified as a Variant of Uncertain Significance.